The following is an entry in ClinVar:

ClinVar aggregate classification (germline): Likely pathogenic (1 of 4 stars; one submission).

Conditions:
CHD7-related disorder. Also called: CHD7-related condition.

Submission:

PreventionGenetics, part of Exact Sciences
Classification: Likely pathogenic for CHD7-related condition. Last evaluated: 2023-03-08. Review status: criteria provided, single submitter. Criteria: ACMG Guidelines, 2015. Collection method: clinical testing. Allele origin: germline.
Comment: The CHD7 c.8027delA variant is predicted to result in a frameshift and premature protein termination (p.Asn2676Ilefs*13). To our knowledge, this variant has not been reported in the literature or in a large population database, indicating this variant is rare. Frameshift variants in CHD7 are expected to be pathogenic. This variant is interpreted as likely pathogenic.

NM_017780.4(CHD7):c.8027del (p.Asn2676fs)

Gene: CHD7 (chromodomain helicase DNA binding protein 7; plus strand). Cytogenetic location: 8q12.2.
Variant type: Deletion.
Coding change: c.8027del on transcript NM_017780.4 (MANE Select); coding-DNA position 8027, one base deleted (A; older notation c.8027delA).
Protein change: p.Asn2676fs; shifts the reading frame from asparagine 2676.
Molecular consequence: frameshift variant.
Genome position (GRCh38, 1-based): chr8:60,862,603, A deleted; the last of 4 consecutive A bases (chr8:60,862,600-60,862,603); deleting any one gives the same sequence. VCF-style (leftmost placement, unchanged base first): chr8-60862599-GA-G. GRCh37 (hg19) VCF-style: chr8-61775158-GA-G.
Other names: c.1880del, p.Asn627fs (NM_001316690.1); short protein forms N2676fs, N627fs.
Identifiers: ClinVar variation 2633896 (VCV002633896.1), dbSNP rs2488122111, ClinGen allele CA2695201474.